The following is an entry in ClinVar:

NM_003906.5(MCM3AP):c.4198T>G (p.Ser1400Ala)

Genes: MCM3AP-AS1 (MCM3AP antisense RNA 1; plus strand), MCM3AP (minichromosome maintenance complex component 3 associated protein; minus strand). Cytogenetic location: 21q22.3.
Variant type: single nucleotide variant.
Coding change: c.4198T>G on transcript NM_003906.5 (MANE Select); coding-DNA position 4198, T replaced by G.
Protein change: p.Ser1400Ala; replaces serine 1400 with alanine.
Molecular consequence: missense variant. On other transcripts: non-coding transcript variant (2).
Genome position (GRCh38, 1-based): chr21:46,251,621, A>C on the plus strand (T>G on the coding strand, the complement: MCM3AP is on the minus strand). VCF-style: chr21-46251621-A-C. GRCh37 (hg19) VCF-style: chr21-47671535-A-C.
Other names: short protein forms S1400A.
Identifiers: ClinVar variation 1379298 (VCV001379298.6), dbSNP rs369004853, ClinGen allele CA10076200.
Genomic context (GRCh38, chr21:46,251,621, plus strand): 5'-CCCCTTTGCTGCTAAGTGAGTTGAAAAGCGAAAGCGTCTGAATCCCACCAGCATCGCTGG[A>C]TGTGTCATCCACTGAGCCTTCATCTCCCATGAACTTGACTTTTAACCAATTTGCTAGAAT-3'
Protein context (NP_003897.2, residues 1390-1410): MGDEGSVDDT[Ser1400Ala]SDAGGIQTLS

ClinVar aggregate classification (germline): Uncertain significance (1 of 4 stars; one submission).

Allele frequency attached by ClinVar (database versions not stated): gnomAD exomes below 0.00001; ExAC 0.00001; gnomAD 0.00001; TOPMed 0.00001; ESP Exome Variant Server 0.00008.

Submission:

Labcorp Genetics (formerly Invitae), Labcorp
Classification: Uncertain significance. Last evaluated: 2024-09-09. Review status: criteria provided, single submitter. Criteria: Invitae Variant Classification Sherloc (09022015). Collection method: clinical testing. Allele origin: germline.
Comment: This sequence change replaces serine, which is neutral and polar, with alanine, which is neutral and non-polar, at codon 1400 of the MCM3AP protein (p.Ser1400Ala). This variant is present in population databases (rs369004853, gnomAD 0.007%). This variant has not been reported in the literature in individuals affected with MCM3AP-related conditions. ClinVar contains an entry for this variant (Variation ID: 1379298). An algorithm developed to predict the effect of missense changes on protein structure and function (PolyPhen-2) suggests that this variant is likely to be tolerated. In summary, the available evidence is currently insufficient to determine the role of this variant in disease. Therefore, it has been classified as a Variant of Uncertain Significance.